The following is an entry in ClinVar:

NM_001199107.2(TBC1D24):c.734T>C (p.Leu245Pro)

Gene: TBC1D24 (TBC1 domain family member 24; plus strand). Cytogenetic location: 16p13.3.
Variant type: single nucleotide variant.
Coding change: c.734T>C on transcript NM_001199107.2 (MANE Select); coding-DNA position 734, T replaced by C.
Protein change: p.Leu245Pro; replaces leucine 245 with proline.
Molecular consequence: missense variant.
Genome position (GRCh38, 1-based): chr16:2,496,882, T>C. VCF-style: chr16-2496882-T-C. GRCh37 (hg19) VCF-style: chr16-2546883-T-C.
Other names: c.734T>C, p.Leu245Pro (NM_020705.3); c.734T>C (NM_001199107.1); short protein forms L245P.
Identifiers: ClinVar variation 626176 (VCV000626176.52), dbSNP rs370477379, ClinGen allele CA7844057.

ClinVar aggregate classification (germline): Uncertain significance. Review status: criteria provided, multiple submitters, no conflicts (2 of 4 stars). 6 submissions from 5 submitters: Uncertain significance (6). Last evaluated 2025-09-21.

Conditions:
Familial infantile myoclonic epilepsy (FIME). Also called: TBC1D24-Related Familial Infantile Myoclonic Epilepsy (FIME); Epilepsy, Myoclonic, Infantile. Identifiers: Orphanet 352582, MedGen C0917800, MONDO:0011506, OMIM 605021.
DOORS syndrome (DOORS). Also called: Digitorenocerebral syndrome; DRC SYNDROME; BRACHYDACTYLY DUE TO ABSENCE OF DISTAL PHALANGES; ERONEN SYNDROME; DEAFNESS, ONYCHODYSTROPHY, OSTEODYSTROPHY, IMPAIRED INTELLECTUAL DEVELOPMENT, AND SEIZURES SYNDROME; DOORS Syndrome (Deafness, Onychodystrophy, Osteodystrophy, Mental Retardation, and Seizures). Identifiers: Orphanet 3231, Orphanet 79500, MedGen C0795934, MONDO:0009079, OMIM 220500. Disease mechanism: loss of function.
Developmental and epileptic encephalopathy, 16 (DEE16). Also called: Early infantile epileptic encephalopathy 16; TBC1D24-Related Developmental and Epileptic Encephalopathy (DEE). Identifiers: Orphanet 293181, Orphanet 352596, MedGen C3809173, MONDO:0014133, OMIM 615338.
Autosomal recessive nonsyndromic hearing loss 86 (DFNB86). Also called: Deafness , autosomal recessive 86; TBC1D24-Related Autosomal Recessive Nonsyndromic Hearing Loss (DFNB). Identifiers: Orphanet 90636, MedGen C2829265, MONDO:0013826, OMIM 614617.
Rolandic epilepsy-paroxysmal exercise-induced dystonia-writer's cramp syndrome. Also called: RE-PED-WC; TBC1D24-Related Rolandic Epilepsy with Paroxysmal Exercise-Induced Dystonia and Writer's Cramp (EPRPDC). Identifiers: Orphanet 163727, MedGen C1842531, MONDO:0011970, OMIM 608105.
Autosomal dominant nonsyndromic hearing loss 65. Also called: TBC1D24-Related Autosomal Dominant Nonsyndromic Hearing Loss (DFNA); Deafness, autosomal dominant 65. Identifiers: Orphanet 90635, MedGen C3892048, MONDO:0014470, OMIM 616044.
Developmental and epileptic encephalopathy, 1 (DEE1). Also called: INFANTILE SPASM SYNDROME, X-LINKED 1; Epileptic encephalopathy, early infantile, 1; OHTAHARA SYNDROME, X-LINKED; X-linked infantile spasms; West's syndrome; Tonic spasms with clustering, arrest of psychomotor development and hypsarrhythmia on EEG. Identifiers: MedGen C3463992, MONDO:0010632, OMIM 308350. Disease mechanism: loss of function.

Allele frequency attached by ClinVar (database versions not stated): gnomAD exomes 0.00001; TOPMed 0.00001; ExAC 0.00002; ESP Exome Variant Server 0.00008.
gnomAD v4.1: 8 of 1,614,128 alleles (0.0005%); highest among the groups gnomAD compares: Non-Finnish European, 0.00068%; no homozygotes.

Submissions (6):

Labcorp Genetics (formerly Invitae), Labcorp
Classification: Uncertain significance for Developmental and epileptic encephalopathy, 1; Autosomal dominant nonsyndromic hearing loss 65. Last evaluated: 2025-09-21. Review status: criteria provided, single submitter. Criteria: Invitae Variant Classification Sherloc (09022015). Collection method: clinical testing. Allele origin: germline.
Comment: This sequence change replaces leucine, which is neutral and non-polar, with proline, which is neutral and non-polar, at codon 245 of the TBC1D24 protein (p.Leu245Pro). This variant is present in population databases (rs370477379, gnomAD 0.002%). This missense change has been observed in individual(s) with clinical features of TBC1D24-related conditions (PMID: 33229591). ClinVar contains an entry for this variant (Variation ID: 626176). Invitae Evidence Modeling of protein sequence and biophysical properties (such as structural, functional, and spatial information, amino acid conservation, physicochemical variation, residue mobility, and thermodynamic stability) indicates that this missense variant is expected to disrupt TBC1D24 protein function with a positive predictive value of 95%. In summary, the available evidence is currently insufficient to determine the role of this variant in disease. Therefore, it has been classified as a Variant of Uncertain Significance.

GeneDx
Classification: Uncertain significance. Last evaluated: 2025-05-21. Review status: criteria provided, single submitter. Criteria: GeneDx Variant Classification Process June 2021. Collection method: clinical testing. Allele origin: germline. Affected: yes.
Comment: Identified in a patient with age-related hearing loss and who harbored a second heterozygous variant in the TBC1D24 gene in published literature (PMID: 33229591); Not observed at significant frequency in large population cohorts (gnomAD); In silico analysis supports that this missense variant has a deleterious effect on protein structure/function; This variant is associated with the following publications: (PMID: 24291220, 33229591)

Athena Diagnostics
Classification: Uncertain significance. Last evaluated: 2022-12-09. Review status: criteria provided, single submitter. Criteria: Athena Diagnostics Criteria. Collection method: clinical testing. Allele origin: unknown.
Comment: Available data are insufficient to determine the clinical significance of the variant at this time. The frequency of this variant in the general population is uninformative in assessment of its pathogenicity. This variant has been identified in at least one individual with clinical features associated with this gene. Computational tools predict that this variant is damaging.

Center for Genomics, Ann and Robert H. Lurie Children's Hospital of Chicago
Classification: Uncertain significance for DOORS syndrome; Autosomal recessive nonsyndromic hearing loss 86; Autosomal dominant nonsyndromic hearing loss 65; Developmental and epileptic encephalopathy, 16; Familial infantile myoclonic epilepsy. Last evaluated: 2017-10-23. Review status: criteria provided, single submitter. Criteria: ACMG Guidelines, 2015. Collection method: clinical testing. Allele origin: germline.
Comment: TBC1D24 NM_001199107.1 exon 2 p.Leu245Pro (c.734T>C): This variant has not been reported in the literature but is present in 2/111650 European alleles in the Genome Aggregation Database. Evolutionary conservation and computational predictive tools suggest that this variant may impact the protein. In summary, data on this variant is insufficient for disease classification. Therefore, the clinical significance of this variant is uncertain.

CeGaT Center for Human Genetics Tuebingen
Classification: Uncertain significance. Last evaluated: 2016-04-01. Review status: criteria provided, single submitter. Criteria: CeGaT Center For Human Genetics Tuebingen Variant Classification Criteria Version 2. Collection method: clinical testing. Allele origin: germline. Affected: yes. Observed: 1 variant allele.

Center for Genomics, Ann and Robert H. Lurie Children's Hospital of Chicago
Classification: Uncertain significance for Autosomal recessive nonsyndromic hearing loss 86; Rolandic epilepsy-paroxysmal exercise-induced dystonia-writer's cramp syndrome; Familial infantile myoclonic epilepsy; Autosomal dominant nonsyndromic hearing loss 65; Developmental and epileptic encephalopathy, 16; DOORS syndrome. Review status: criteria provided, single submitter. Criteria: ACMG Guidelines, 2015. Collection method: clinical testing. Allele origin: germline.
Comment: TBC1D24 NM_001199107 exon 2 p.Leu245Pro (c.734T>C): This variant has not been reported in the literature but is present in 2/111650 European alleles in the Genome Aggregation Database. Evolutionary conservation and computational predictive tools suggest that this variant may impact the protein. In summary, data on this variant is insufficient for disease classification. Therefore, the clinical significance of this variant is uncertain.

Literature cited by the submitters: PubMed 33229591 (cited by Labcorp Genetics (formerly Invitae), Labcorp and Athena Diagnostics).